The following is an entry in ClinVar:

NM_001130987.2(DYSF):c.2857G>T (p.Glu953Ter)

Gene: DYSF (dysferlin; plus strand). Cytogenetic location: 2p13.2.
Variant type: single nucleotide variant.
Coding change: c.2857G>T on transcript NM_001130987.2 (MANE Select); coding-DNA position 2857, G replaced by T.
Protein change: p.Glu953Ter; replaces glutamic acid 953 with a stop codon.
Molecular consequence: nonsense.
Genome position (GRCh38, 1-based): chr2:71,568,331, G>T. VCF-style: chr2-71568331-G-T. GRCh37 (hg19) VCF-style: chr2-71795461-G-T.
Other names: c.2806G>T, p.Glu936Ter (NM_001130455.2, NM_001130983.2); c.2761G>T, p.Glu921Ter (NM_001130976.2, NM_001130977.2); c.2803G>T, p.Glu935Ter (NM_001130978.2, NM_003494.4); c.2896G>T, p.Glu966Ter (NM_001130979.2); c.2854G>T, p.Glu952Ter (NM_001130980.2, NM_001130981.2); c.2899G>T, p.Glu967Ter (NM_001130982.2); c.2764G>T, p.Glu922Ter (NM_001130984.2, NM_001130986.2); c.2857G>T, p.Glu953Ter (NM_001130985.2); short protein forms E935*, E953*, E921*, E936*, E966*, E967*, E922*, E952*.
Identifiers: ClinVar variation 2817579 (VCV002817579.3), dbSNP rs1402556079, ClinGen allele CA347215345.

ClinVar aggregate classification (germline): Pathogenic (1 of 4 stars; one submission).

Conditions:
Neuromuscular disease caused by qualitative or quantitative defects of dysferlin. Also called: Dysferlinopathy; Qualitative or quantitative defects of dysferlin. Identifiers: Orphanet 207073, MedGen C2931687, MONDO:0016145.

Allele frequency attached by ClinVar (database versions not stated): gnomAD exomes below 0.00001.
gnomAD v4.1: 2 of 1,614,044 alleles (0.00012%); highest among the groups gnomAD compares: Admixed American, 0.0017%; no homozygotes.

Submission:

Labcorp Genetics (formerly Invitae), Labcorp
Classification: Pathogenic for Neuromuscular disease caused by qualitative or quantitative defects of dysferlin. Last evaluated: 2022-11-30. Review status: criteria provided, single submitter. Criteria: Invitae Variant Classification Sherloc (09022015). Collection method: clinical testing. Allele origin: germline.
Comment: For these reasons, this variant has been classified as Pathogenic. This sequence change creates a premature translational stop signal (p.Glu935*) in the DYSF gene. It is expected to result in an absent or disrupted protein product. Loss-of-function variants in DYSF are known to be pathogenic (PMID: 17698709, 20301480). This variant is present in population databases (no rsID available, gnomAD 0.003%). This variant has not been reported in the literature in individuals affected with DYSF-related conditions.

Literature cited by the submitters: PubMed 17698709; PubMed 20301480.